The following is an entry in ClinVar:

NM_020427.3(SLURP1):c.59-1G>A

Gene: SLURP1 (secreted LY6/PLAUR domain containing 1; minus strand). Cytogenetic location: 8q24.3.
Variant type: single nucleotide variant.
Coding change: c.59-1G>A on transcript NM_020427.3 (MANE Select); the canonical splice acceptor site of the intron before coding-DNA position 59, G replaced by A.
Molecular consequence: splice acceptor variant.
Genome position (GRCh38, 1-based): chr8:142,741,923, C>T on the plus strand (G>A on the coding strand, the complement: SLURP1 is on the minus strand). VCF-style: chr8-142741923-C-T. GRCh37 (hg19) VCF-style: chr8-143823341-C-T.
Identifiers: ClinVar variation 3679658 (VCV003679658.2).

ClinVar aggregate classification (germline): Likely pathogenic (1 of 4 stars; one submission).

Submission:

Labcorp Genetics (formerly Invitae), Labcorp
Classification: Likely pathogenic. Last evaluated: 2024-12-24. Review status: criteria provided, single submitter. Criteria: Invitae Variant Classification Sherloc (09022015). Collection method: clinical testing. Allele origin: germline.
Comment: This sequence change affects an acceptor splice site in intron 1 of the SLURP1 gene. It is expected to disrupt RNA splicing. Variants that disrupt the donor or acceptor splice site typically lead to a loss of protein function (PMID: 16199547), and loss-of-function variants in SLURP1 are known to be pathogenic (PMID: 11285253, 19692209). This variant is not present in population databases (gnomAD no frequency). Disruption of this splice site has been observed in individual(s) with Meleda disease (internal data). Algorithms developed to predict the effect of sequence changes on RNA splicing suggest that this variant may disrupt the consensus splice site. In summary, the currently available evidence indicates that the variant is pathogenic, but additional data are needed to prove that conclusively. Therefore, this variant has been classified as Likely Pathogenic.

Literature cited by the submitters: PubMed 16199547; PubMed 11285253; PubMed 19692209.